The following is an entry in ClinVar:

NM_001378457.1(DMXL2):c.5345A>T (p.Asp1782Val)

Gene: DMXL2 (Dmx like 2; minus strand). Cytogenetic location: 15q21.2.
Variant type: single nucleotide variant.
Coding change: c.5345A>T on transcript NM_001378457.1 (MANE Select); coding-DNA position 5345, A replaced by T.
Protein change: p.Asp1782Val; replaces aspartic acid 1782 with valine.
Molecular consequence: missense variant. On other transcripts: non-coding transcript variant (2).
Genome position (GRCh38, 1-based): chr15:51,486,210, T>A on the plus strand (A>T on the coding strand, the complement: DMXL2 is on the minus strand). VCF-style: chr15-51486210-T-A. GRCh37 (hg19) VCF-style: chr15-51778407-T-A.
Other names: c.5345A>T, p.Asp1782Val (NM_001174116.3, NM_001378458.1, NM_001378459.1 and 4 more transcripts); c.3437A>T, p.Asp1146Val (NM_001174117.3); c.3326A>T, p.Asp1109Val (NM_001378460.1); c.5105A>T, p.Asp1702Val (NM_001378464.1); short protein forms D1109V, D1782V, D1146V, D1702V.
Identifiers: ClinVar variation 2965278 (VCV002965278.1), dbSNP rs759577405, ClinGen allele CA7561815.

ClinVar aggregate classification (germline): Uncertain significance (1 of 4 stars; one submission).

Allele frequency attached by ClinVar (database versions not stated): gnomAD exomes below 0.00001; ExAC 0.00001.
gnomAD v4.1: 1 of 1,614,090 alleles (0.000062%); highest among the groups gnomAD compares: African/African-American, 0.0013%; no homozygotes.

Submission:

Labcorp Genetics (formerly Invitae), Labcorp
Classification: Uncertain significance. Last evaluated: 2023-12-30. Review status: criteria provided, single submitter. Criteria: Invitae Variant Classification Sherloc (09022015). Collection method: clinical testing. Allele origin: germline.
Comment: This sequence change replaces aspartic acid, which is acidic and polar, with valine, which is neutral and non-polar, at codon 1782 of the DMXL2 protein (p.Asp1782Val). This variant is present in population databases (rs759577405, gnomAD 0.003%). This variant has not been reported in the literature in individuals affected with DMXL2-related conditions. An algorithm developed to predict the effect of missense changes on protein structure and function (PolyPhen-2) suggests that this variant is likely to be disruptive. In summary, the available evidence is currently insufficient to determine the role of this variant in disease. Therefore, it has been classified as a Variant of Uncertain Significance.